The following is an entry in ClinVar:

ClinVar aggregate classification (germline): Uncertain significance (1 of 4 stars; one submission).

Conditions:
Early-infantile DEE. Also called: Early infantile epileptic encephalopathy with suppression bursts; Early infantile epileptic encephalopathy; Ohtahara syndrome. Identifiers: Orphanet 1934, MedGen C0393706, MONDO:0800491.

Submission:

Labcorp Genetics (formerly Invitae), Labcorp
Classification: Uncertain significance for Early-infantile DEE. Last evaluated: 2022-08-31. Review status: criteria provided, single submitter. Criteria: Invitae Variant Classification Sherloc (09022015). Collection method: clinical testing. Allele origin: germline.
Comment: Advanced modeling of protein sequence and biophysical properties (such as structural, functional, and spatial information, amino acid conservation, physicochemical variation, residue mobility, and thermodynamic stability) performed at Invitae indicates that this missense variant is expected to disrupt KCNH5 protein function. In summary, the available evidence is currently insufficient to determine the role of this variant in disease. Therefore, it has been classified as a Variant of Uncertain Significance. This sequence change replaces isoleucine, which is neutral and non-polar, with valine, which is neutral and non-polar, at codon 470 of the KCNH5 protein (p.Ile470Val). This variant is not present in population databases (gnomAD no frequency). This variant has not been reported in the literature in individuals affected with KCNH5-related conditions.

NM_139318.5(KCNH5):c.1408A>G (p.Ile470Val)

Gene: KCNH5 (potassium voltage-gated channel subfamily H member 5; minus strand). Cytogenetic location: 14q23.2.
Variant type: single nucleotide variant.
Coding change: c.1408A>G on transcript NM_139318.5 (MANE Select); coding-DNA position 1408, A replaced by G.
Protein change: p.Ile470Val; replaces isoleucine 470 with valine.
Molecular consequence: missense variant.
Genome position (GRCh38, 1-based): chr14:62,849,814, T>C on the plus strand (A>G on the coding strand, the complement: KCNH5 is on the minus strand). VCF-style: chr14-62849814-T-C. GRCh37 (hg19) VCF-style: chr14-63316532-T-C.
Other names: c.1408A>G, p.Ile470Val (NM_172375.3); short protein forms I470V.
Identifiers: ClinVar variation 1718409 (VCV001718409.5), dbSNP rs2502867218, ClinGen allele CA390102564.